The following is an entry in ClinVar:

NM_007294.4(BRCA1):c.5056C>A (p.His1686Asn)

Gene: BRCA1 (BRCA1 DNA repair associated; minus strand). Cytogenetic location: 17q21.31.
Variant type: single nucleotide variant.
Coding change: c.5056C>A on transcript NM_007294.4 (MANE Select); coding-DNA position 5056, C replaced by A.
Protein change: p.His1686Asn; replaces histidine 1686 with asparagine.
Molecular consequence: missense variant. On other transcripts: non-coding transcript variant (1).
Genome position (GRCh38, 1-based): chr17:43,067,626, G>T on the plus strand (C>A on the coding strand, the complement: BRCA1 is on the minus strand). VCF-style: chr17-43067626-G-T. GRCh37 (hg19) VCF-style: chr17-41219643-G-T.
Other names: c.4843C>A, p.His1615Asn (NM_001407571.1, NM_001407894.1, NM_001407895.1 and 12 more transcripts); c.5122C>A, p.His1708Asn (NM_001407581.1, NM_001407582.1); c.5119C>A, p.His1707Asn (NM_001407583.1, NM_001407585.1, NM_001407587.1 and 1 more transcripts); c.5116C>A, p.His1706Asn (NM_001407590.1, NM_001407591.1); c.5056C>A, p.His1686Asn (NM_001407593.1, NM_001407594.1, NM_001407596.1 and 8 more transcripts); c.5053C>A, p.His1685Asn (NM_001407610.1, NM_001407621.1, NM_001407622.1 and 17 more transcripts); c.5050C>A, p.His1684Asn (NM_001407627.1, NM_001407628.1, NM_001407629.1 and 14 more transcripts); c.5047C>A, p.His1683Asn (NM_001407644.1, NM_001407645.1); and 70 more; short protein forms H582N, H1639N, H1686N, H1707N, H1517N, H1559N, H1574N, H1597N.
Identifiers: ClinVar variation 867582 (VCV000867582.3), dbSNP rs1555579648, ClinGen allele CA10591409.

Conditions:
Breast-ovarian cancer, familial, susceptibility to, 1 (BROVCA1). Also called: BRCA1 Hereditary Breast and Ovarian Cancer; OVARIAN CANCER, SUSCEPTIBILITY TO. Identifiers: Orphanet 145, MedGen C2676676, MONDO:0011450, OMIM 604370. Disease mechanism: loss of function.

Submission:

Brotman Baty Institute, University of Washington
No classification provided (evidence only). Condition: Breast-ovarian cancer, familial 1. Review status: no classification provided. Collection method: in vitro. Allele origin: not applicable. Functional consequence: functionally_abnormal.
ClinVar note: "not provided" was previously submitted as the classification for the variant. However, the classification appeared to be based only on an observation of functional data so it was converted to no classification on 2025-07-30.